The following is an entry in ClinVar:

ClinVar aggregate classification (germline): Pathogenic. Review status: criteria provided, multiple submitters, no conflicts (2 of 4 stars). 3 submissions from 3 submitters: Pathogenic (3). Last evaluated 2026-04-16.

Conditions:
Cardiovascular phenotype. Identifiers: MedGen CN230736.
Elevated circulating creatine kinase activity. Also called: Elevated serum creatine phosphokinase; Elevated creatine kinase; Elevated circulating creatine kinase concentration. Identifiers: MedGen C0241005, HP:0003236.
Duchenne muscular dystrophy (DMD). Also called: MUSCULAR DYSTROPHY, PSEUDOHYPERTROPHIC PROGRESSIVE, DUCHENNE TYPE; Duchenne Muscular Dystrophy (DMD). Identifiers: Orphanet 98896, MedGen C0013264, MONDO:0010679, OMIM 310200.

Submissions (3):

Ambry Genetics
Classification: Pathogenic for Cardiovascular phenotype. Last evaluated: 2026-04-16. Review status: criteria provided, single submitter. Criteria: Ambry Variant Classification Scheme 2023. Collection method: clinical testing. Allele origin: germline.
Comment: The c.3433-1G>A intronic pathogenic mutation results from a G to A substitution one nucleotide upstream from coding exon 26 of the DMD gene. Variants that disrupt the canonical splice site are expected to result in aberrant splicing. In silico splice site analysis predicts that this alteration will weaken the native splice acceptor site and will result in the creation or strengthening of a novel splice acceptor site. A resulting transcript is predicted to be in-frame and is not expected to trigger nonsense-mediated mRNA decay; although, direct evidence is unavailable. This variant was reported as hemizygous in individual(s) with features consistent with DMD-related dystrophinopathy; in at least one individual, it was determined to be de novo (Spitali P et al. Hum Mutat, 2009 Nov;30:1527-34; Neri M et al. Front Genet, 2020 Mar;11:131; Shah KP et al. JPGN Rep, 2022 Feb;3:e135; Ambry internal data). This variant is considered to be rare based on population cohorts in the Genome Aggregation Database (gnomAD). This nucleotide position is highly conserved in available vertebrate species. Based on the supporting evidence, this variant is interpreted as a disease-causing mutation.

Laboratory of Medical Genetics, National & Kapodistrian University of Athens
Classification: Pathogenic for Elevated circulating creatine kinase activity. Last evaluated: 2022-12-16. Review status: criteria provided, single submitter. Criteria: ACMG Guidelines, 2015. Collection method: clinical testing. Allele origin: germline. Affected: yes.
Comment: PVS1, PM2, PP5

Clinical Biomedical Laboratory, Shriners Hospital For Children - Canada
Classification: Pathogenic for Duchenne muscular dystrophy. Review status: criteria provided, single submitter. Criteria: ACMG Guidelines, 2015. Collection method: clinical testing. Allele origin: germline. Affected: yes.
Comment: This variant is predicted to affect a canonical splice site in DMD. This variant is expected to disrupt RNA splicing and lead to loss of function of the affected allele. Loss-of-function variants in DMD are associated with Duchenne muscular dystrophy. This variant is absent from the Genome Aggregation Database (v2.1.1), indicating it is very rare. This variant is reported in ClinVar (Variation ID: 1322378) as pathogenic by one submitter. Based on the ACMG variant interpretation guidelines (criteria: PVS1, PM2, PP4), the available evidence supports classification of this variant as pathogenic.

Literature cited by the submitters: PubMed 19760747 (cited by Ambry Genetics); PubMed 32194622 (cited by Ambry Genetics); PubMed 37168752 (cited by Ambry Genetics).

NM_004006.3(DMD):c.3433-1G>A

Gene: DMD (dystrophin; minus strand). Cytogenetic location: Xp21.1.
Variant type: single nucleotide variant.
Coding change: c.3433-1G>A on transcript NM_004006.3 (MANE Select); the canonical splice acceptor site of the intron before coding-DNA position 3433, G replaced by A.
Molecular consequence: splice acceptor variant.
Genome position (GRCh38, 1-based): chrX:32,454,833, C>T on the plus strand (G>A on the coding strand, the complement: DMD is on the minus strand). VCF-style: chrX-32454833-C-T. GRCh37 (hg19) VCF-style: chrX-32472950-C-T.
Other names: c.3409-1G>A (NM_000109.4); c.3421-1G>A (NM_004009.3); c.3064-1G>A (NM_004010.3).
Identifiers: ClinVar variation 1322378 (VCV001322378.4), dbSNP rs398123939, ClinGen allele CA267002.